The following is an entry in ClinVar:

ClinVar aggregate classification (germline): Uncertain significance (1 of 4 stars; one submission).

Conditions:
MAGEL2-related disorder. Also called: MAGEL2-related condition.

gnomAD v4.1: 2 of 1,537,078 alleles (0.00013%); highest among the groups gnomAD compares: African/African-American, 0.0014%; no homozygotes.

Submission:

PreventionGenetics, part of Exact Sciences
Classification: Uncertain significance for MAGEL2-related condition. Last evaluated: 2026-04-17. Review status: criteria provided, single submitter. Criteria: ACMG Guidelines, 2015. Collection method: clinical testing. Allele origin: germline.
Comment: The MAGEL2 c.811C>T variant is predicted to result in the amino acid substitution p.Pro271Ser. To our knowledge, this variant has not been reported in the literature. This variant is reported in 0.0094% of alleles in individuals of East Asian descent in gnomAD. At this time, the clinical significance of this variant is uncertain due to the absence of conclusive functional and genetic evidence.

NM_019066.5(MAGEL2):c.811C>T (p.Pro271Ser)

Gene: MAGEL2 (MAGE family member L2; minus strand). Cytogenetic location: 15q11.2.
Variant type: single nucleotide variant.
Coding change: c.811C>T on transcript NM_019066.5 (MANE Select); coding-DNA position 811, C replaced by T.
Protein change: p.Pro271Ser; replaces proline 271 with serine.
Molecular consequence: missense variant.
Genome position (GRCh38, 1-based): chr15:23,646,932, G>A on the plus strand (C>T on the coding strand, the complement: MAGEL2 is on the minus strand). VCF-style: chr15-23646932-G-A. GRCh37 (hg19) VCF-style: chr15-23892079-G-A.
Other names: short protein forms P271S.
Identifiers: ClinVar variation 4990762 (VCV004990762.1).